The following is an entry in ClinVar:

NM_172250.3(MMAA):c.1048C>T (p.Leu350Phe)

Gene: MMAA (metabolism of cobalamin associated A; plus strand). Cytogenetic location: 4q31.21.
Variant type: single nucleotide variant.
Coding change: c.1048C>T on transcript NM_172250.3 (MANE Select); coding-DNA position 1048, C replaced by T.
Protein change: p.Leu350Phe; replaces leucine 350 with phenylalanine.
Molecular consequence: missense variant.
Genome position (GRCh38, 1-based): chr4:145,655,225, C>T. VCF-style: chr4-145655225-C-T. GRCh37 (hg19) VCF-style: chr4-146576377-C-T.
Other names: c.1048C>T, p.Leu350Phe (NM_001375644.1); short protein forms L350F.
Identifiers: ClinVar variation 1510630 (VCV001510630.6), dbSNP rs866580843, ClinGen allele CA107683188.

ClinVar aggregate classification (germline): Uncertain significance. Review status: criteria provided, multiple submitters, no conflicts (2 of 4 stars). 2 submissions from 2 submitters: Uncertain significance (2). Last evaluated 2023-12-27.

Conditions:
Methylmalonic aciduria, cblA type (MACA). Also called: Methylmalonic aciduria, vitamin B12-responsive; Vitamin B12-responsive methylmalonic acidemia type cblA; Methylmalonic aciduria, vitamin b12-responsive, due to defect in synthesis of adenosylcobalamin, cbla complementation type; MMA cbl A type; Methylmalonic acidemia cblA type. Identifiers: Orphanet 28, Orphanet 79310, MedGen C1855109, MONDO:0009613, OMIM 251100.

Allele frequency attached by ClinVar (database versions not stated): gnomAD exomes 0.00001; TOPMed 0.00002.
gnomAD v4.1: 16 of 1,614,142 alleles (0.00099%); highest among the groups gnomAD compares: African/African-American, 0.0053%; no homozygotes.

Submissions (2):

Fulgent Genetics
Classification: Uncertain significance for Methylmalonic aciduria, cblA type. Last evaluated: 2023-12-27. Review status: criteria provided, single submitter. Criteria: ACMG Guidelines, 2015. Collection method: clinical testing. Allele origin: germline.

Labcorp Genetics (formerly Invitae), Labcorp
Classification: Uncertain significance for Methylmalonic aciduria, cblA type. Last evaluated: 2022-08-12. Review status: criteria provided, single submitter. Criteria: Invitae Variant Classification Sherloc (09022015). Collection method: clinical testing. Allele origin: germline.
Comment: This sequence change replaces leucine, which is neutral and non-polar, with phenylalanine, which is neutral and non-polar, at codon 350 of the MMAA protein (p.Leu350Phe). This variant is not present in population databases (gnomAD no frequency). This variant has not been reported in the literature in individuals affected with MMAA-related conditions. ClinVar contains an entry for this variant (Variation ID: 1510630). Advanced modeling of protein sequence and biophysical properties (such as structural, functional, and spatial information, amino acid conservation, physicochemical variation, residue mobility, and thermodynamic stability) performed at Invitae indicates that this missense variant is not expected to disrupt MMAA protein function. In summary, the available evidence is currently insufficient to determine the role of this variant in disease. Therefore, it has been classified as a Variant of Uncertain Significance.